The following is an entry in ClinVar:

ClinVar aggregate classification (germline): Likely benign. Review status: criteria provided, multiple submitters, no conflicts (2 of 4 stars). 5 submissions from 5 submitters: Likely benign (5). Last evaluated 2025-07-03.

Conditions:
Inborn genetic diseases. Identifiers: MedGen C0950123, MeSH D030342.
Developmental and epileptic encephalopathy, 42 (DEE42A). Also called: Epileptic encephalopathy, early infantile, 42; DEVELOPMENTAL AND EPILEPTIC ENCEPHALOPATHY 42A; EPILEPTIC ENCEPHALOPATHY, EARLY INFANTILE, 42A. Identifiers: MedGen C4310716, MONDO:0014917, OMIM 617106.
Episodic ataxia type 2 (EA2). Also called: ATAXIA, EPISODIC, WITH NYSTAGMUS; ATAXIA, FAMILIAL PAROXYSMAL; CEREBELLAR ATAXIA, PAROXYSMAL, ACETAZOLAMIDE-RESPONSIVE; CEREBELLOPATHY, HEREDITARY PAROXYSMAL; EPISODIC ATAXIA, NYSTAGMUS-ASSOCIATED; ACETAZOLAMIDE-RESPONSIVE HEREDITARY PAROXYSMAL CEREBELLAR ATAXIA. Identifiers: Orphanet 97, MedGen C1720416, MONDO:0007163, OMIM 108500.

Allele frequency attached by ClinVar (database versions not stated): ExAC 0.00003; gnomAD exomes 0.00004 and 0.00005; gnomAD 0.00007 and 0.00008; TOPMed 0.00009.
gnomAD v4.1: 71 of 1,586,850 alleles (0.0045%); highest among the groups gnomAD compares: African/African-American, 0.024%; no homozygotes.

Submissions (5):

Labcorp Genetics (formerly Invitae), Labcorp
Classification: Likely benign for Developmental and epileptic encephalopathy, 42; Episodic ataxia type 2. Last evaluated: 2025-07-03. Review status: criteria provided, single submitter. Criteria: Invitae Variant Classification Sherloc (09022015). Collection method: clinical testing. Allele origin: germline.

CeGaT Center for Human Genetics Tuebingen
Classification: Likely benign. Last evaluated: 2024-06-01. Review status: criteria provided, single submitter. Criteria: CeGaT Center For Human Genetics Tuebingen Variant Classification Criteria Version 2. Collection method: clinical testing. Allele origin: germline. Affected: yes. Observed: 1 variant allele.
Comment: CACNA1A: BP4

Blueprint Genetics
Classification: Likely benign. Last evaluated: 2023-07-18. Review status: criteria provided, single submitter. Criteria: ACMG Guidelines, 2015. Collection method: clinical testing. Allele origin: germline.

GeneDx
Classification: Likely benign. Last evaluated: 2020-10-23. Review status: criteria provided, single submitter. Criteria: GeneDx Variant Classification Process June 2021. Collection method: clinical testing. Allele origin: germline. Affected: yes.

Ambry Genetics
Classification: Likely benign for Inborn genetic diseases. Last evaluated: 2020-01-21. Review status: criteria provided, single submitter. Criteria: Ambry Variant Classification Scheme 2023. Collection method: clinical testing. Allele origin: germline.

NM_001127222.2(CACNA1A):c.4591-5C>T

Gene: CACNA1A (calcium voltage-gated channel subunit alpha1 A; minus strand). Cytogenetic location: 19p13.13.
Variant type: single nucleotide variant.
Coding change: c.4591-5C>T on transcript NM_001127222.2 (MANE Select); 5 bases into the intron before coding-DNA position 4591, C replaced by T.
Molecular consequence: intron variant.
Genome position (GRCh38, 1-based): chr19:13,255,264, G>A on the plus strand (C>T on the coding strand, the complement: CACNA1A is on the minus strand). VCF-style: chr19-13255264-G-A. GRCh37 (hg19) VCF-style: chr19-13366078-G-A.
Other names: c.4594-5C>T (NM_001127221.2, NM_001174080.2); c.4603-5C>T (NM_000068.4, NM_023035.3).
Identifiers: ClinVar variation 1187676 (VCV001187676.31), dbSNP rs199631921, ClinGen allele CA9239983.